The following is an entry in ClinVar:

ClinVar aggregate classification (germline): Uncertain significance. Review status: criteria provided, multiple submitters, no conflicts (2 of 4 stars). 2 submissions from 2 submitters: Uncertain significance (2). Last evaluated 2026-01-29.

Conditions:
Hereditary sensory neuropathy-deafness-dementia syndrome. Also called: HSN IE; Hereditary Sensory and Autonomic Neuropathy Type 1E (HSAN1E); Hereditary sensory neuropathy type IE; NEUROPATHY, HEREDITARY SENSORY, WITH HEARING LOSS AND DEMENTIA. Identifiers: Orphanet 456318, MedGen C3279885, MONDO:0013584, OMIM 614116.
DNMT1-related disorder. Also called: DNMT1-related condition. Identifiers: MedGen CN381527.

gnomAD v4.1: 11 of 1,607,328 alleles (0.00068%); highest among the groups gnomAD compares: Non-Finnish European, 0.00085%; no homozygotes.

Submissions (2):

PreventionGenetics, part of Exact Sciences
Classification: Uncertain significance for DNMT1-related condition. Last evaluated: 2026-01-29. Review status: criteria provided, single submitter. Criteria: ACMG Guidelines, 2015. Collection method: clinical testing. Allele origin: germline.
Comment: The DNMT1 c.3806+7G>A variant is predicted to interfere with splicing. To our knowledge, this variant has not been reported in the literature or in a large population database (gnomAD), indicating this variant is rare. At this time, the clinical significance of this variant is uncertain due to the absence of conclusive functional and genetic evidence.

Labcorp Genetics (formerly Invitae), Labcorp
Classification: Uncertain significance for Hereditary sensory neuropathy-deafness-dementia syndrome. Last evaluated: 2021-02-22. Review status: criteria provided, single submitter. Criteria: Invitae Variant Classification Sherloc (09022015). Collection method: clinical testing. Allele origin: germline.
Comment: In summary, the available evidence is currently insufficient to determine the role of this variant in disease. Therefore, it has been classified as a Variant of Uncertain Significance. Algorithms developed to predict the effect of sequence changes on RNA splicing suggest that this variant may create or strengthen a splice site, but this prediction has not been confirmed by published transcriptional studies. This variant has not been reported in the literature in individuals with DNMT1-related conditions. This variant is not present in population databases (ExAC no frequency). This sequence change falls in intron 33 of the DNMT1 gene. It does not directly change the encoded amino acid sequence of the DNMT1 protein.

NM_001130823.3(DNMT1):c.3806+7G>A

Gene: DNMT1 (DNA methyltransferase 1; minus strand). Cytogenetic location: 19p13.2.
Variant type: single nucleotide variant.
Coding change: c.3806+7G>A on transcript NM_001130823.3 (MANE Select); 7 bases into the intron after coding-DNA position 3806, G replaced by A.
Molecular consequence: intron variant.
Genome position (GRCh38, 1-based): chr19:10,140,039, C>T on the plus strand (G>A on the coding strand, the complement: DNMT1 is on the minus strand). VCF-style: chr19-10140039-C-T. GRCh37 (hg19) VCF-style: chr19-10250715-C-T.
Other names: c.3806+7G>A (NM_001130823.2); c.3443+7G>A (NM_001318731.2); c.3758+7G>A (NM_001379.4, NM_001318730.2).
Identifiers: ClinVar variation 1501411 (VCV001501411.9), dbSNP rs2089571907, ClinGen allele CA2322282933.